The following is an entry in ClinVar:

NM_000535.7(PMS2):c.607A>C (p.Thr203Pro)

Gene: PMS2 (PMS1 homolog 2, mismatch repair system component; minus strand). Cytogenetic location: 7p22.1.
Variant type: single nucleotide variant.
Coding change: c.607A>C on transcript NM_000535.7 (MANE Select); coding-DNA position 607, A replaced by C.
Protein change: p.Thr203Pro; replaces threonine 203 with proline.
Molecular consequence: missense variant. On other transcripts: 5 prime UTR variant (2), non-coding transcript variant (1), intron variant (9).
Genome position (GRCh38, 1-based): chr7:5,999,206, T>G on the plus strand (A>C on the coding strand, the complement: PMS2 is on the minus strand). VCF-style: chr7-5999206-T-G. GRCh37 (hg19) VCF-style: chr7-6038837-T-G.
Other names: c.202A>C, p.Thr68Pro (NM_001018040.1, NM_001322003.2, NM_001322004.2 and 20 more transcripts); c.607A>C, p.Thr203Pro (NM_001322006.2, NM_001322014.2, NM_001406870.1 and 4 more transcripts); c.289A>C, p.Thr97Pro (NM_001322007.2, NM_001322008.2, NM_001406876.1 and 4 more transcripts); c.-327A>C (NM_001322011.2, NM_001322012.2); c.298A>C, p.Thr100Pro (NM_001322015.2, NM_001406875.1, NM_001406877.1 and 6 more transcripts); c.793A>C, p.Thr265Pro (NM_001406866.1); c.631A>C, p.Thr211Pro (NM_001406868.1); c.271A>C, p.Thr91Pro (NM_001406885.1); and 6 more; short protein forms T100P, T203P, T265P, T68P, T211P, T91P, T97P.
Identifiers: ClinVar variation 2451590 (VCV002451590.3), dbSNP rs730881907, ClinGen allele CA366743991.

ClinVar aggregate classification (germline): Uncertain significance (1 of 4 stars; one submission).

Conditions:
Hereditary cancer-predisposing syndrome. Also called: Neoplastic Syndromes, Hereditary; Tumor predisposition; Hereditary neoplastic syndrome; Hereditary Cancer Syndrome. Identifiers: Orphanet 140162, MedGen C0027672, MeSH D009386, MONDO:0015356.

Submission:

Ambry Genetics
Classification: Uncertain significance for Hereditary cancer-predisposing syndrome. Last evaluated: 2025-06-18. Review status: criteria provided, single submitter. Criteria: Ambry Variant Classification Scheme 2023. Collection method: clinical testing. Allele origin: germline.
Comment: The p.T203P variant (also known as c.607A>C), located in coding exon 6 of the PMS2 gene, results from an A to C substitution at nucleotide position 607. The threonine at codon 203 is replaced by proline, an amino acid with highly similar properties. This amino acid position is not well conserved in available vertebrate species. In addition, the in silico prediction for this alteration is inconclusive. Based on the available evidence, the clinical significance of this variant remains unclear.